The following is an entry in ClinVar:

ClinVar aggregate classification (germline): Conflicting classifications of pathogenicity. Review status: criteria provided, conflicting classifications (1 of 4 stars). 4 submissions from 4 submitters: Uncertain significance (1); Likely benign (3). Last evaluated 2025-07-04.

Conditions:
Hereditary cancer-predisposing syndrome. Also called: Neoplastic Syndromes, Hereditary; Hereditary Cancer Syndrome; Hereditary neoplastic syndrome; Tumor predisposition. Identifiers: Orphanet 140162, MedGen C0027672, MeSH D009386, MONDO:0015356.
Ataxia-telangiectasia syndrome (AT). Also called: Cerebello-oculocutaneous telangiectasia; Immunodeficiency with ataxia telangiectasia; Ataxia-telangiectasia, complementation group D; AT, COMPLEMENTATION GROUP C; ATAXIA-TELANGIECTASIA, FRESNO VARIANT; ATAXIA-TELANGIECTASIA, COMPLEMENTATION GROUP A. Identifiers: Orphanet 100, MedGen C0004135, MONDO:0008840, OMIM 208900.

Allele frequency attached by ClinVar (database versions not stated): gnomAD 0.00001; TOPMed 0.00001.
gnomAD v4.1: 22 of 1,613,726 alleles (0.0014%); highest among the groups gnomAD compares: Non-Finnish European, 0.0019%; no homozygotes.

Submissions (4):

Labcorp Genetics (formerly Invitae), Labcorp
Classification: Uncertain significance for Ataxia-telangiectasia syndrome. Last evaluated: 2025-07-04. Review status: criteria provided, single submitter. Criteria: Invitae Variant Classification Sherloc (09022015). Collection method: clinical testing. Allele origin: germline.
Comment: This sequence change replaces glutamic acid, which is acidic and polar, with aspartic acid, which is acidic and polar, at codon 1277 of the ATM protein (p.Glu1277Asp). This variant is not present in population databases (gnomAD no frequency). This variant has not been reported in the literature in individuals affected with ATM-related conditions. ClinVar contains an entry for this variant (Variation ID: 141488). Invitae Evidence Modeling of protein sequence and biophysical properties (such as structural, functional, and spatial information, amino acid conservation, physicochemical variation, residue mobility, and thermodynamic stability) indicates that this missense variant is not expected to disrupt ATM protein function with a negative predictive value of 95%. In summary, the available evidence is currently insufficient to determine the role of this variant in disease. Therefore, it has been classified as a Variant of Uncertain Significance.

Color Diagnostics, LLC DBA Color Health
Classification: Likely benign for Hereditary cancer-predisposing syndrome. Last evaluated: 2018-02-22. Review status: criteria provided, single submitter. Criteria: ACMG Guidelines, 2015. Collection method: clinical testing. Allele origin: germline.

GeneDx
Classification: Likely benign. Last evaluated: 2016-10-11. Review status: criteria provided, single submitter. Criteria: GeneDx Variant Classification (06012015). Collection method: clinical testing. Allele origin: germline. Affected: yes.
Comment: This variant is considered likely benign or benign based on one or more of the following criteria: it is a conservative change, it occurs at a poorly conserved position in the protein, it is predicted to be benign by multiple in silico algorithms, and/or has population frequency not consistent with disease.

Ambry Genetics
Classification: Likely benign for Hereditary cancer-predisposing syndrome. Last evaluated: 2016-04-06. Review status: criteria provided, single submitter. Criteria: Ambry Variant Classification Scheme 2023. Collection method: clinical testing. Allele origin: germline.

NM_000051.4(ATM):c.3831G>C (p.Glu1277Asp)

Gene: ATM (ATM serine/threonine kinase; plus strand). Cytogenetic location: 11q22.3.
Variant type: single nucleotide variant.
Coding change: c.3831G>C on transcript NM_000051.4 (MANE Select); coding-DNA position 3831, G replaced by C.
Protein change: p.Glu1277Asp; replaces glutamic acid 1277 with aspartic acid.
Molecular consequence: missense variant.
Genome position (GRCh38, 1-based): chr11:108,284,311, G>C. VCF-style: chr11-108284311-G-C. GRCh37 (hg19) VCF-style: chr11-108155038-G-C.
Other names: c.3831G>C, p.Glu1277Asp (NM_001351834.2); short protein forms E1277D.
Identifiers: ClinVar variation 141488 (VCV000141488.18), dbSNP rs587781787, ClinGen allele CA165593.